The following is an entry in ClinVar:

ClinVar aggregate classification (germline): Uncertain significance. Review status: criteria provided, multiple submitters, no conflicts (2 of 4 stars). 2 submissions from 2 submitters: Uncertain significance (2). Last evaluated 2025-04-14.

Conditions:
Inborn genetic diseases. Identifiers: MedGen C0950123, MeSH D030342.
Fanconi anemia (FA). Also called: Fanconi's anemia. Identifiers: Orphanet 84, MedGen C0015625, MeSH D005199, MONDO:0019391.

Allele frequency attached by ClinVar (database versions not stated): ExAC 0.00001; gnomAD exomes 0.00001.
gnomAD v4.1: 12 of 1,613,702 alleles (0.00074%); highest among the groups gnomAD compares: South Asian, 0.012%; no homozygotes.

Submissions (2):

Ambry Genetics
Classification: Uncertain significance for Inborn genetic diseases. Last evaluated: 2025-04-14. Review status: criteria provided, single submitter. Criteria: Ambry Variant Classification Scheme 2023. Collection method: clinical testing. Allele origin: germline.
Comment: The p.A778V variant (also known as c.2333C>T), located in coding exon 26 of the FANCA gene, results from a C to T substitution at nucleotide position 2333. The alanine at codon 778 is replaced by valine, an amino acid with similar properties. This amino acid position is conserved. In addition, this alteration is predicted to be tolerated by in silico analysis. Based on the available evidence, the clinical significance of this variant remains unclear.

Labcorp Genetics (formerly Invitae), Labcorp
Classification: Uncertain significance for Fanconi anemia. Last evaluated: 2021-08-25. Review status: criteria provided, single submitter. Criteria: Invitae Variant Classification Sherloc (09022015). Collection method: clinical testing. Allele origin: germline.
Comment: This sequence change replaces alanine with valine at codon 778 of the FANCA protein (p.Ala778Val). The alanine residue is weakly conserved and there is a small physicochemical difference between alanine and valine. This variant is present in population databases (rs777163986, ExAC 0.006%). This variant has not been reported in the literature in individuals affected with FANCA-related conditions. Algorithms developed to predict the effect of missense changes on protein structure and function are either unavailable or do not agree on the potential impact of this missense change (SIFT: "Tolerated"; PolyPhen-2: "Possibly Damaging"; Align-GVGD: "Class C0"). In summary, the available evidence is currently insufficient to determine the role of this variant in disease. Therefore, it has been classified as a Variant of Uncertain Significance.

NM_000135.4(FANCA):c.2333C>T (p.Ala778Val)

Gene: FANCA (FA complementation group A; minus strand). Cytogenetic location: 16q24.3.
Variant type: single nucleotide variant.
Coding change: c.2333C>T on transcript NM_000135.4 (MANE Select); coding-DNA position 2333, C replaced by T.
Protein change: p.Ala778Val; replaces alanine 778 with valine.
Molecular consequence: missense variant.
Genome position (GRCh38, 1-based): chr16:89,770,008, G>A on the plus strand (C>T on the coding strand, the complement: FANCA is on the minus strand). VCF-style: chr16-89770008-G-A. GRCh37 (hg19) VCF-style: chr16-89836416-G-A.
Other names: c.2333C>T, p.Ala778Val (NM_001286167.3); c.2333C>T (NM_000135.2); short protein forms A778V.
Identifiers: ClinVar variation 1485875 (VCV001485875.6), dbSNP rs777163986, ClinGen allele CA8251751.